The following is an entry in ClinVar:

ClinVar aggregate classification (germline): Uncertain significance (1 of 4 stars; one submission).

Conditions:
Familial melanoma. Also called: Hereditary melanoma; Hereditary cutaneous melanoma. Identifiers: Orphanet 618, MedGen C1512419, MONDO:0018961.

Submission:

Labcorp Genetics (formerly Invitae), Labcorp
Classification: Uncertain significance for Familial melanoma. Last evaluated: 2022-09-15. Review status: criteria provided, single submitter. Criteria: Invitae Variant Classification Sherloc (09022015). Collection method: clinical testing. Allele origin: germline.
Comment: This variant disrupts the p.Asp84 amino acid residue in CDKN2A (p16INK4a). Other variant(s) that disrupt this residue have been determined to be pathogenic (PMID: 10491434, 21462282, 28060055). This suggests that this residue is clinically significant, and that variants that disrupt this residue are likely to be disease-causing. This sequence change replaces aspartic acid, which is acidic and polar, with histidine, which is basic and polar, at codon 84 of the CDKN2A (p16INK4a) protein (p.Asp84His). This variant is not present in population databases (gnomAD no frequency). This variant has not been reported in the literature in individuals affected with CDKN2A (p16INK4a)-related conditions. This variant is also known as c.293G>C (p.Arg98Pro) in CDKN2A (p14ARF) transcript NM_058195.3. Algorithms developed to predict the effect of missense changes on protein structure and function (SIFT, PolyPhen-2, Align-GVGD) all suggest that this variant is likely to be disruptive. Experimental studies have shown that this missense change affects CDKN2A (p16INK4a) function (PMID: 8755727, 9660926). In summary, the available evidence is currently insufficient to determine the role of this variant in disease. Therefore, it has been classified as a Variant of Uncertain Significance. The CDKN2A gene encodes two different proteins, p16INK4a and p14ARF, which are translated from alternative transcripts with different open reading frames. Both transcripts have been analyzed. We report either the variant with the higher classification or default to the CDKN2A (p16INK4a) variant. This report therefore includes the details for the CDKN2A (p16INK4a) variant.

Literature cited by the submitters: PubMed 10491434; PubMed 21462282; PubMed 28060055; PubMed 8755727; PubMed 9660926.

NM_000077.5(CDKN2A):c.250G>C (p.Asp84His)

Gene: CDKN2A (cyclin dependent kinase inhibitor 2A; minus strand). Cytogenetic location: 9p21.3.
Variant type: single nucleotide variant.
Coding change: c.250G>C on transcript NM_000077.5; coding-DNA position 250, G replaced by C.
Protein change: p.Asp84His; replaces aspartic acid 84 with histidine.
Molecular consequence: missense variant (on NM_000077.6). On other transcripts: 3 prime UTR variant (1).
Genome position (GRCh38, 1-based): chr9:21,971,109, C>G on the plus strand (G>C on the coding strand, the complement: CDKN2A is on the minus strand). VCF-style: chr9-21971109-C-G. GRCh37 (hg19) VCF-style: chr9-21971108-C-G.
Other names: c.250G>C, p.Asp84His (NM_000077.6, NM_001195132.2); c.97G>C, p.Asp33His (NM_001363763.2); c.293G>C, p.Arg98Pro (NM_058195.4); c.*173G>C (NM_058197.5); short protein forms D84H, R98P, D33H.
Identifiers: ClinVar variation 2200354 (VCV002200354.4), dbSNP rs11552822, ClinGen allele CA373086232.